The following is an entry in ClinVar:

NM_001363118.2(SLC52A2):c.131-8C>T

Gene: SLC52A2 (solute carrier family 52 member 2; plus strand). Cytogenetic location: 8q24.3.
Variant type: single nucleotide variant.
Coding change: c.131-8C>T on transcript NM_001363118.2 (MANE Select); 8 bases into the intron before coding-DNA position 131, C replaced by T.
Molecular consequence: intron variant.
Genome position (GRCh38, 1-based): chr8:144,359,615, C>T. VCF-style: chr8-144359615-C-T. GRCh37 (hg19) VCF-style: chr8-145583275-C-T.
Other names: c.131-8C>T (NM_001253816.1, NM_001253816.2, NM_001363121.2 and 3 more transcripts); c.130+192C>T (NM_001363122.2).
Identifiers: ClinVar variation 1586224 (VCV001586224.10), dbSNP rs369154606, ClinGen allele CA4938120.

ClinVar aggregate classification (germline): Likely benign. Review status: criteria provided, single submitter (1 of 4 stars). 2 submissions from 2 submitters: Likely benign (1). 1 of the submissions does not count toward it. Last evaluated 2025-10-06.

Conditions:
SLC52A2-related disorder. Also called: SLC52A2-related condition.
Brown-Vialetto-van Laere syndrome 2. Also called: SPINOCEREBELLAR ATAXIA WITH BLINDNESS AND DEAFNESS 2; Riboflavin transporter deficiency type 2. Identifiers: Orphanet 572543, Orphanet 97229, MedGen C3553538, MONDO:0013867, OMIM 614707.

Allele frequency attached by ClinVar (database versions not stated): gnomAD 0.00002; ESP Exome Variant Server 0.00015; gnomAD exomes 0.00003; ExAC 0.00004.
gnomAD v4.1: 51 of 1,610,060 alleles (0.0032%); highest among the groups gnomAD compares: Non-Finnish European, 0.004%; no homozygotes.

Submissions (2):

Labcorp Genetics (formerly Invitae), Labcorp
Classification: Likely benign for Brown-Vialetto-van Laere syndrome 2. Last evaluated: 2025-10-06. Review status: criteria provided, single submitter. Criteria: Invitae Variant Classification Sherloc (09022015). Collection method: clinical testing. Allele origin: germline.

PreventionGenetics, part of Exact Sciences
Classification: Likely benign for SLC52A2-related condition. Last evaluated: 2021-06-17. Review status: no assertion criteria provided. Collection method: clinical testing. Allele origin: germline. Not counted in ClinVar's aggregate classification.
Comment: This variant is classified as likely benign based on ACMG/AMP sequence variant interpretation guidelines (Richards et al. 2015 PMID: 25741868, with internal and published modifications).